The following is an entry in ClinVar:

NM_001244008.2(KIF1A):c.1133G>T (p.Arg378Leu)

Gene: KIF1A (kinesin family member 1A; minus strand). Cytogenetic location: 2q37.3.
Variant type: single nucleotide variant.
Coding change: c.1133G>T on transcript NM_001244008.2 (MANE Select); coding-DNA position 1133, G replaced by T.
Protein change: p.Arg378Leu; replaces arginine 378 with leucine.
Molecular consequence: missense variant.
Genome position (GRCh38, 1-based): chr2:240,773,161, C>A on the plus strand (G>T on the coding strand, the complement: KIF1A is on the minus strand). VCF-style: chr2-240773161-C-A. GRCh37 (hg19) VCF-style: chr2-241712578-C-A.
Other names: c.1133G>T, p.Arg378Leu (NM_001320705.2, NM_001330289.2, NM_001330290.2 and 21 more transcripts); short protein forms R378L.
Identifiers: ClinVar variation 1715083 (VCV001715083.6), dbSNP rs1437914316, ClinGen allele CA351295229.

ClinVar aggregate classification (germline): Uncertain significance (1 of 4 stars; one submission).

Conditions:
Hereditary spastic paraplegia 30. Identifiers: Orphanet 101010, MedGen C5235139, MONDO:0012476.
Neuropathy, hereditary sensory, type 2C. Also called: Hereditary sensory and autonomic neuropathy type IIC; KIF1A-Related HSAN2 (HSAN2C). Identifiers: Orphanet 970, MedGen C3280168, MONDO:0013634, OMIM 614213.
Intellectual disability, autosomal dominant 9 (NESCAVS). Also called: NESCAV SYNDROME; KIF1A-Related Neurodevelopmental Disorder. Identifiers: Orphanet 662367, MedGen C5393830, MONDO:0013656, OMIM 614255.

Submission:

Labcorp Genetics (formerly Invitae), Labcorp
Classification: Uncertain significance for Hereditary spastic paraplegia 30; Neuropathy, hereditary sensory, type 2C; Intellectual disability, autosomal dominant 9. Last evaluated: 2022-08-05. Review status: criteria provided, single submitter. Criteria: Invitae Variant Classification Sherloc (09022015). Collection method: clinical testing. Allele origin: germline.
Comment: This sequence change replaces arginine, which is basic and polar, with leucine, which is neutral and non-polar, at codon 378 of the KIF1A protein (p.Arg378Leu). This variant is not present in population databases (gnomAD no frequency). This variant has not been reported in the literature in individuals affected with KIF1A-related conditions. Algorithms developed to predict the effect of missense changes on protein structure and function (SIFT, PolyPhen-2, Align-GVGD) all suggest that this variant is likely to be disruptive. In summary, the available evidence is currently insufficient to determine the role of this variant in disease. Therefore, it has been classified as a Variant of Uncertain Significance.